The following is an entry in ClinVar:

ClinVar aggregate classification (germline): Uncertain significance (1 of 4 stars; one submission).

Conditions:
Joubert syndrome. Also called: CEREBELLOPARENCHYMAL DISORDER IV; JOUBERT-BOLTSHAUSER SYNDROME; Familial aplasia of the vermis. Identifiers: Orphanet 475, MedGen C5979921, MONDO:0018772.
Meckel-Gruber syndrome. Also called: DYSENCEPHALIA SPLANCHNOCYSTICA; GRUBER SYNDROME; Dysencephalia splachnocystica. Identifiers: Orphanet 564, MedGen C0265215, MONDO:0018921.

Submission:

Labcorp Genetics (formerly Invitae), Labcorp
Classification: Uncertain significance for Joubert syndrome; Meckel-Gruber syndrome. Last evaluated: 2022-05-21. Review status: criteria provided, single submitter. Criteria: Invitae Variant Classification Sherloc (09022015). Collection method: clinical testing. Allele origin: germline.
Comment: In summary, the available evidence is currently insufficient to determine the role of this variant in disease. Therefore, it has been classified as a Variant of Uncertain Significance. Algorithms developed to predict the effect of sequence changes on RNA splicing suggest that this variant may create or strengthen a splice site. Algorithms developed to predict the effect of missense changes on protein structure and function are either unavailable or do not agree on the potential impact of this missense change (SIFT: "Tolerated"; PolyPhen-2: "Possibly Damaging"; Align-GVGD: "Class C0"). This variant has not been reported in the literature in individuals affected with MKS1-related conditions. This variant is not present in population databases (gnomAD no frequency). This sequence change replaces arginine, which is basic and polar, with leucine, which is neutral and non-polar, at codon 479 of the MKS1 protein (p.Arg479Leu).

NM_017777.4(MKS1):c.1436G>T (p.Arg479Leu)

Gene: MKS1 (MKS transition zone complex subunit 1; minus strand). Cytogenetic location: 17q22.
Variant type: single nucleotide variant.
Coding change: c.1436G>T on transcript NM_017777.4 (MANE Select); coding-DNA position 1436, G replaced by T.
Protein change: p.Arg479Leu; replaces arginine 479 with leucine.
Molecular consequence: missense variant. On other transcripts: intron variant (2).
Genome position (GRCh38, 1-based): chr17:58,206,519, C>A on the plus strand (G>T on the coding strand, the complement: MKS1 is on the minus strand). VCF-style: chr17-58206519-C-A. GRCh37 (hg19) VCF-style: chr17-56283880-C-A.
Other names: c.827G>T, p.Arg276Leu (NM_001321268.2); c.1274-139G>T (NM_001330397.2); c.1408-139G>T (NM_001321269.2); short protein forms R479L, R276L.
Identifiers: ClinVar variation 2175219 (VCV002175219.2), dbSNP rs111315726, ClinGen allele CA400324730.